The following is an entry in ClinVar:

ClinVar aggregate classification (germline): Pathogenic (1 of 4 stars; one submission).

Conditions:
Kostmann syndrome (SCN3). Also called: KOSTMANN DISEASE; Autosomal recessive severe congenital neutropenia type 3. Identifiers: Orphanet 99749, MedGen C5235141, MONDO:0012548, OMIM 610738.

Submission:

Labcorp Genetics (formerly Invitae), Labcorp
Classification: Pathogenic for Kostmann syndrome. Last evaluated: 2023-10-04. Review status: criteria provided, single submitter. Criteria: Invitae Variant Classification Sherloc (09022015). Collection method: clinical testing. Allele origin: germline.
Comment: This sequence change creates a premature translational stop signal (p.Phe4*) in the HAX1 gene. It is expected to result in an absent or disrupted protein product. Loss-of-function variants in HAX1 are known to be pathogenic (PMID: 17187068). This variant is not present in population databases (gnomAD no frequency). This variant has not been reported in the literature in individuals affected with HAX1-related conditions. For these reasons, this variant has been classified as Pathogenic.

Literature cited by the submitters: PubMed 17187068.

NM_006118.4(HAX1):c.11_12del (p.Leu3_Phe4insTer)

Gene: HAX1 (HCLS1 associated protein X-1; plus strand). Cytogenetic location: 1q21.3.
Variant type: Deletion.
Coding change: c.11_12del on transcript NM_006118.4 (MANE Select); coding-DNA positions 11 to 12, 2 bases deleted (TT; older notation c.11_12delTT).
Protein change: p.Leu3_Phe4insTer.
Molecular consequence: nonsense.
Genome position (GRCh38, 1-based): chr1:154,272,734-154,272,735, TT deleted; deleting any 2 consecutive bases within chr1:154,272,733-154,272,735 gives the same sequence; the c. name uses the placement nearest the transcript's 3' end. VCF-style (leftmost placement, unchanged base first): chr1-154272732-CTT-C. GRCh37 (hg19) VCF-style: chr1-154245208-CTT-C.
Other names: c.11_12del, p.Leu3_Phe4insTer (NM_001018837.2).
Identifiers: ClinVar variation 3002493 (VCV003002493.3), dbSNP rs2524924329, ClinGen allele CA2740090366.
Genomic context (GRCh38, chr1:154,272,732, plus strand): 5'-GTCTGCGAATGGACCACTGGAGGGGTTCAAAGGTTCGCGTCCCAGTACGGGAATGAGCCT[CTT>C]TGATCTCTTCCGGGGCTTTTTCGGCTTTCCTGGACCTCGGAGGTGAGAGTAGGTCCGGCT-3'